The following is an entry in ClinVar:

NM_032119.4(ADGRV1):c.14407A>T (p.Ile4803Leu)

Gene: ADGRV1 (adhesion G protein-coupled receptor V1; plus strand). Cytogenetic location: 5q14.3.
Variant type: single nucleotide variant.
Coding change: c.14407A>T on transcript NM_032119.4 (MANE Select); coding-DNA position 14407, A replaced by T.
Protein change: p.Ile4803Leu; replaces isoleucine 4803 with leucine.
Molecular consequence: missense variant. On other transcripts: non-coding transcript variant (1).
Genome position (GRCh38, 1-based): chr5:90,791,236, A>T. VCF-style: chr5-90791236-A-T. GRCh37 (hg19) VCF-style: chr5-90087053-A-T.
Other names: short protein forms I4803L.
Identifiers: ClinVar variation 1058859 (VCV001058859.9), dbSNP rs2150135320, ClinGen allele CA360401803.

ClinVar aggregate classification (germline): Uncertain significance (1 of 4 stars; one submission).

gnomAD v4.1: 1 of 1,613,188 alleles (0.000062%); no homozygotes.

Submission:

Labcorp Genetics (formerly Invitae), Labcorp
Classification: Uncertain significance. Last evaluated: 2023-08-04. Review status: criteria provided, single submitter. Criteria: Invitae Variant Classification Sherloc (09022015). Collection method: clinical testing. Allele origin: germline.
Comment: In summary, the available evidence is currently insufficient to determine the role of this variant in disease. Therefore, it has been classified as a Variant of Uncertain Significance. Advanced modeling of protein sequence and biophysical properties (such as structural, functional, and spatial information, amino acid conservation, physicochemical variation, residue mobility, and thermodynamic stability) performed at Invitae indicates that this missense variant is not expected to disrupt ADGRV1 protein function. ClinVar contains an entry for this variant (Variation ID: 1058859). This variant has not been reported in the literature in individuals affected with ADGRV1-related conditions. This variant is not present in population databases (gnomAD no frequency). This sequence change replaces isoleucine, which is neutral and non-polar, with leucine, which is neutral and non-polar, at codon 4803 of the ADGRV1 protein (p.Ile4803Leu).